The following is an entry in ClinVar:

NM_001174089.2(SLC4A11):c.1043-15A>C

Gene: SLC4A11 (solute carrier family 4 member 11; minus strand). Cytogenetic location: 20p13.
Variant type: single nucleotide variant.
Coding change: c.1043-15A>C on transcript NM_001174089.2 (MANE Select); 15 bases into the intron before coding-DNA position 1043, A replaced by C.
Molecular consequence: intron variant.
Genome position (GRCh38, 1-based): chr20:3,231,073, T>G on the plus strand (A>C on the coding strand, the complement: SLC4A11 is on the minus strand). VCF-style: chr20-3231073-T-G. GRCh37 (hg19) VCF-style: chr20-3211719-T-G.
Other names: c.1043-15A>C (NM_001363745.2); c.1172-15A>C (NM_001174090.2); c.1091-15A>C (NM_032034.4).
Identifiers: ClinVar variation 261993 (VCV000261993.18), dbSNP rs3803953, ClinGen allele CA9742010.

ClinVar aggregate classification (germline): Benign. Review status: criteria provided, multiple submitters, no conflicts (2 of 4 stars). 7 submissions from 6 submitters: Benign (7). Last evaluated 2026-02-04.

Conditions:
Corneal dystrophy. Identifiers: Orphanet 34533, MedGen C0010036, MONDO:0018102, HP:0001131.
Corneal dystrophy-perceptive deafness syndrome (CDPD). Also called: CORNEAL DYSTROPHY AND SENSORINEURAL DEAFNESS; HARBOYAN SYNDROME. Identifiers: Orphanet 1490, MedGen C1857572, MONDO:0009015, OMIM 217400.
Congenital hereditary endothelial dystrophy of cornea. Also called: Corneal endothelial dystrophy, autosomal recessive; Congenital hereditary endothelial dystrophy of the cornea; Maumenee corneal dystrophy; CORNEAL DYSTROPHY, CONGENITAL HEREDITARY ENDOTHELIAL; Congenital hereditary endothelial dystrophy type II. Identifiers: Orphanet 293603, MedGen C1857569, MONDO:0009019, OMIM 217700.

Allele frequency attached by ClinVar (database versions not stated): TOPMed 0.42081; ExAC 0.44557; 1000 Genomes Project 0.40056; gnomAD 0.43411 and 0.43502; gnomAD exomes 0.45326.
gnomAD v4.1: 726,142 of 1,606,584 alleles (45%); highest among the groups gnomAD compares: Admixed American, 52%; 165,418 homozygotes.

Submissions (7):

Labcorp Genetics (formerly Invitae), Labcorp
Classification: Benign. Last evaluated: 2026-02-04. Review status: criteria provided, single submitter. Criteria: Invitae Variant Classification Sherloc (09022015). Collection method: clinical testing. Allele origin: germline.

Genome-Nilou Lab
Classification: Benign for Corneal dystrophy-perceptive deafness syndrome. Last evaluated: 2021-07-10. Review status: criteria provided, single submitter. Criteria: ACMG Guidelines, 2015. Collection method: clinical testing. Allele origin: germline. Affected: no.

Genome-Nilou Lab
Classification: Benign for Congenital hereditary endothelial dystrophy of cornea. Last evaluated: 2021-07-10. Review status: criteria provided, single submitter. Criteria: ACMG Guidelines, 2015. Collection method: clinical testing. Allele origin: germline. Affected: no.

GeneDx
Classification: Benign. Last evaluated: 2020-04-06. Review status: criteria provided, single submitter. Criteria: GeneDx Variant Classification Process June 2021. Collection method: clinical testing. Allele origin: germline. Affected: yes.

Illumina Laboratory Services, Illumina
Classification: Benign for Corneal dystrophy. Last evaluated: 2018-01-12. Review status: criteria provided, single submitter. Criteria: ICSL Variant Classification Criteria 13 December 2019. Collection method: clinical testing. Allele origin: germline.
Comment: This variant was observed in the ICSL laboratory as part of a predisposition screen in an ostensibly healthy population. It had not been previously curated by ICSL or reported in the Human Gene Mutation Database (HGMD: prior to June 1st, 2018), and was therefore a candidate for classification through an automated scoring system. Utilizing variant allele frequency, disease prevalence and penetrance estimates, and inheritance mode, an automated score was calculated to assess if this variant is too frequent to cause the disease. Based on the score and internal cut-off values, a variant classified as benign is not then subjected to further curation. The score for this variant resulted in a classification of benign for this disease.

Breakthrough Genomics
Classification: Benign. Review status: criteria provided, single submitter. Criteria: ACMG Guidelines, 2015. Collection method: not provided. Allele origin: germline. Inheritance: Autosomal recessive inheritance. Affected: yes.

PreventionGenetics, part of Exact Sciences
Classification: Benign. Review status: criteria provided, single submitter. Criteria: ACMG Guidelines, 2015. Collection method: clinical testing. Allele origin: germline.